The following is an entry in ClinVar:

NM_000045.4(ARG1):c.561-9_561-8del

Genes: ARG1 (arginase 1; plus strand), MED23 (mediator complex subunit 23; minus strand). Cytogenetic location: 6q23.2.
Variant type: Microsatellite.
Coding change: c.561-9_561-8del on transcript NM_000045.4 (MANE Select); 9 bases into the intron before coding-DNA position 561 through 8 bases into the intron before coding-DNA position 561, 2 bases deleted (CT; older notation c.561-9_561-8delCT).
Molecular consequence: intron variant.
Genome position (GRCh38, 1-based): chr6:131,583,051-131,583,052, CT deleted; deleting any 2 consecutive bases within chr6:131,583,048-131,583,052 gives the same sequence; the c. name uses the placement nearest the transcript's 3' end. VCF-style (leftmost placement, unchanged base first): chr6-131583047-TTC-T. GRCh37 (hg19) VCF-style: chr6-131904187-TTC-T.
Other names: c.561-9_561-8delCT (NM_000045.2); c.585-9_585-8del (NM_001244438.2); c.306-9_306-8del (NM_001369020.1); c.4077+4660_4077+4661del (NM_001270521.2); c.4095+4660_4095+4661del (NM_015979.4).
Identifiers: ClinVar variation 420275 (VCV000420275.11), dbSNP rs756783454, ClinGen allele CA3999312.

ClinVar aggregate classification (germline): Likely benign. Review status: criteria provided, multiple submitters, no conflicts (2 of 4 stars). 3 submissions from 3 submitters: Likely benign (3). Last evaluated 2026-01-20.

Conditions:
Arginase deficiency. Also called: ARG1 DEFICIENCY; Arginase 1 Deficiency; ARGININEMIA. Identifiers: Orphanet 90, MedGen C0268548, MONDO:0008814, OMIM 207800.

Submissions (3):

Labcorp Genetics (formerly Invitae), Labcorp
Classification: Likely benign for Arginase deficiency. Last evaluated: 2026-01-20. Review status: criteria provided, single submitter. Criteria: Invitae Variant Classification Sherloc (09022015). Collection method: clinical testing. Allele origin: germline.

Blueprint Genetics
Classification: Likely benign. Last evaluated: 2024-03-20. Review status: criteria provided, single submitter. Criteria: ACMG Guidelines, 2015. Collection method: clinical testing. Allele origin: germline.

GeneDx
Classification: Likely benign. Last evaluated: 2016-02-10. Review status: criteria provided, single submitter. Criteria: GeneDx Variant Classification (06012015). Collection method: clinical testing. Allele origin: germline. Affected: yes.
Comment: This variant is considered likely benign or benign based on one or more of the following criteria: it is a conservative change, it occurs at a poorly conserved position in the protein, it is predicted to be benign by multiple in silico algorithms, and/or has population frequency not consistent with disease.